The following is an entry in ClinVar:

NM_001164665.2(KIAA1549):c.893C>G (p.Thr298Ser)

Gene: KIAA1549 (KIAA1549; minus strand). Cytogenetic location: 7q34.
Variant type: single nucleotide variant.
Coding change: c.893C>G on transcript NM_001164665.2 (MANE Select); coding-DNA position 893, C replaced by G.
Protein change: p.Thr298Ser; replaces threonine 298 with serine.
Molecular consequence: missense variant.
Genome position (GRCh38, 1-based): chr7:138,918,733, G>C on the plus strand (C>G on the coding strand, the complement: KIAA1549 is on the minus strand). VCF-style: chr7-138918733-G-C. GRCh37 (hg19) VCF-style: chr7-138603479-G-C.
Other names: c.893C>G, p.Thr298Ser (NM_020910.3); c.893C>G (NM_001164665.1); short protein forms T298S.
Identifiers: ClinVar variation 2168074 (VCV002168074.6), dbSNP rs372567270, ClinGen allele CA4506838.

ClinVar aggregate classification (germline): Uncertain significance. Review status: criteria provided, multiple submitters, no conflicts (2 of 4 stars). 2 submissions from 2 submitters: Uncertain significance (2). Last evaluated 2025-07-31.

Conditions:
Inborn genetic diseases. Identifiers: MedGen C0950123, MeSH D030342.

Allele frequency attached by ClinVar (database versions not stated): gnomAD 0.00001; gnomAD exomes 0.00001; TOPMed 0.00003; ExAC 0.00006.
gnomAD v4.1: 21 of 1,613,736 alleles (0.0013%); highest among the groups gnomAD compares: East Asian, 0.031%; no homozygotes.

Submissions (2):

Ambry Genetics
Classification: Uncertain significance for Inborn genetic diseases. Last evaluated: 2025-07-31. Review status: criteria provided, single submitter. Criteria: Ambry Variant Classification Scheme 2023. Collection method: clinical testing. Allele origin: germline.

Labcorp Genetics (formerly Invitae), Labcorp
Classification: Uncertain significance. Last evaluated: 2024-05-30. Review status: criteria provided, single submitter. Criteria: Invitae Variant Classification Sherloc (09022015). Collection method: clinical testing. Allele origin: germline.
Comment: This sequence change replaces threonine, which is neutral and polar, with serine, which is neutral and polar, at codon 298 of the KIAA1549 protein (p.Thr298Ser). This variant is present in population databases (rs372567270, gnomAD 0.06%). This variant has not been reported in the literature in individuals affected with KIAA1549-related conditions. ClinVar contains an entry for this variant (Variation ID: 2168074). Algorithms developed to predict the effect of missense changes on protein structure and function output the following: SIFT: "Not Available"; PolyPhen-2: "Benign"; Align-GVGD: "Not Available". The serine amino acid residue is found in multiple mammalian species, which suggests that this missense change does not adversely affect protein function. In summary, the available evidence is currently insufficient to determine the role of this variant in disease. Therefore, it has been classified as a Variant of Uncertain Significance.